The following is an entry in ClinVar:

ClinVar aggregate classification (germline): Uncertain significance (1 of 4 stars; one submission).

Conditions:
Hereditary cancer-predisposing syndrome. Also called: Neoplastic Syndromes, Hereditary; Tumor predisposition; Hereditary Cancer Syndrome; Hereditary neoplastic syndrome. Identifiers: Orphanet 140162, MedGen C0027672, MeSH D009386, MONDO:0015356.

Submission:

Ambry Genetics
Classification: Uncertain significance for Hereditary cancer-predisposing syndrome. Last evaluated: 2026-04-13. Review status: criteria provided, single submitter. Criteria: Ambry Variant Classification Scheme 2023. Collection method: clinical testing. Allele origin: germline.
Comment: The p.Q81H variant (also known as c.243G>C), located in coding exon 3 of the RAD50 gene, results from a G to C substitution at nucleotide position 243. The glutamine at codon 81 is replaced by histidine, an amino acid with highly similar properties. This amino acid position is conserved. In addition, the in silico prediction for this alteration is inconclusive. Based on the available evidence, the clinical significance of this variant remains unclear.

NM_005732.4(RAD50):c.243G>C (p.Gln81His)

Gene: RAD50 (RAD50 double strand break repair protein; plus strand). Cytogenetic location: 5q31.1.
Variant type: single nucleotide variant.
Coding change: c.243G>C on transcript NM_005732.4 (MANE Select); coding-DNA position 243, G replaced by C.
Protein change: p.Gln81His; replaces glutamine 81 with histidine.
Molecular consequence: missense variant.
Genome position (GRCh38, 1-based): chr5:132,575,806, G>C. VCF-style: chr5-132575806-G-C. GRCh37 (hg19) VCF-style: chr5-131911498-G-C.
Other names: short protein forms Q81H.
Identifiers: ClinVar variation 4862838 (VCV004862838.1).